The following is an entry in ClinVar:

ClinVar aggregate classification (germline): Benign. Review status: criteria provided, multiple submitters, no conflicts (2 of 4 stars). 10 submissions from 9 submitters: Benign (10). Last evaluated 2026-02-04.

Conditions:
Neuronopathy, distal hereditary motor, autosomal recessive 4. Also called: Autosomal recessive lower motor neuron disease with childhood onset; NEUROPATHY, DISTAL HEREDITARY MOTOR, AUTOSOMAL RECESSIVE 4. Identifiers: Orphanet 206580, MedGen C1970211, MONDO:0012608, OMIM 611067.
Charcot-Marie-Tooth disease recessive intermediate C. Also called: CHARCOT-MARIE-TOOTH NEUROPATHY, RECESSIVE INTERMEDIATE C. Identifiers: Orphanet 369867, MedGen C3809309, MONDO:0014154, OMIM 615376.

Allele frequency attached by ClinVar (database versions not stated): gnomAD exomes 0.15784; ExAC 0.22124; ESP Exome Variant Server 0.27271; gnomAD 0.27826 and 0.28900; 1000 Genomes Project 0.28574; TOPMed 0.29082; 1000 Genomes Project 30x 0.29809.
gnomAD v4.1: 252,096 of 1,558,310 alleles (16%); highest among the groups gnomAD compares: African/African-American, 64%; 30,376 homozygotes.

Submissions (10):

Labcorp Genetics (formerly Invitae), Labcorp
Classification: Benign for Neuronopathy, distal hereditary motor, autosomal recessive 4; Charcot-Marie-Tooth disease recessive intermediate C. Last evaluated: 2026-02-04. Review status: criteria provided, single submitter. Criteria: Invitae Variant Classification Sherloc (09022015). Collection method: clinical testing. Allele origin: germline.

Blueprint Genetics
Classification: Benign. Last evaluated: 2024-11-26. Review status: criteria provided, single submitter. Criteria: ACMG Guidelines, 2015. Collection method: clinical testing. Allele origin: germline.

Genome-Nilou Lab
Classification: Benign for Charcot-Marie-Tooth disease recessive intermediate C. Last evaluated: 2021-10-25. Review status: criteria provided, single submitter. Criteria: ACMG Guidelines, 2015. Collection method: clinical testing. Allele origin: germline. Affected: no.

Genome-Nilou Lab
Classification: Benign for Neuronopathy, distal hereditary motor, autosomal recessive 4. Last evaluated: 2021-10-25. Review status: criteria provided, single submitter. Criteria: ACMG Guidelines, 2015. Collection method: clinical testing. Allele origin: germline. Affected: no.

Illumina Laboratory Services, Illumina
Classification: Benign for Neuronopathy, distal hereditary motor, autosomal recessive 4. Last evaluated: 2018-01-12. Review status: criteria provided, single submitter. Criteria: ICSL Variant Classification Criteria 13 December 2019. Collection method: clinical testing. Allele origin: germline.
Comment: This variant was observed in the ICSL laboratory as part of a predisposition screen in an ostensibly healthy population. It had not been previously curated by ICSL or reported in the Human Gene Mutation Database (HGMD: prior to June 1st, 2018), and was therefore a candidate for classification through an automated scoring system. Utilizing variant allele frequency, disease prevalence and penetrance estimates, and inheritance mode, an automated score was calculated to assess if this variant is too frequent to cause the disease. Based on the score and internal cut-off values, a variant classified as benign is not then subjected to further curation. The score for this variant resulted in a classification of benign for this disease.

Mayo Clinic Laboratories, Mayo Clinic
Classification: Benign. Last evaluated: 2016-03-09. Review status: criteria provided, single submitter. Criteria: ACMG Guidelines, 2015. Collection method: clinical testing. Allele origin: germline. Observed: 670 variant alleles.

GeneDx
Classification: Benign. Last evaluated: 2015-03-03. Review status: criteria provided, single submitter. Criteria: GeneDx Variant Classification Process June 2021. Collection method: clinical testing. Allele origin: germline. Affected: yes.

Eurofins Ntd Llc (ga)
Classification: Benign. Last evaluated: 2014-10-31. Review status: criteria provided, single submitter. Criteria: EGL Classification Definitions 2015. Collection method: clinical testing. Allele origin: germline. Observed: 4 variant alleles, 2 heterozygotes, 2 homozygotes.

Breakthrough Genomics
Classification: Benign. Review status: criteria provided, single submitter. Criteria: ACMG Guidelines, 2015. Collection method: not provided. Allele origin: germline. Inheritance: Autosomal recessive inheritance. Affected: yes.

PreventionGenetics, part of Exact Sciences
Classification: Benign. Review status: criteria provided, single submitter. Criteria: ACMG Guidelines, 2015. Collection method: clinical testing. Allele origin: germline.

NM_020631.6(PLEKHG5):c.713C>G (p.Thr238Ser)

Gene: PLEKHG5 (pleckstrin homology and RhoGEF domain containing G5; minus strand). Cytogenetic location: 1p36.31.
Variant type: single nucleotide variant.
Coding change: c.713C>G on transcript NM_020631.6 (MANE Select); coding-DNA position 713, C replaced by G.
Protein change: p.Thr238Ser; replaces threonine 238 with serine.
Molecular consequence: missense variant.
Genome position (GRCh38, 1-based): chr1:6,473,333, G>C on the plus strand (C>G on the coding strand, the complement: PLEKHG5 is on the minus strand). VCF-style: chr1-6473333-G-C. GRCh37 (hg19) VCF-style: chr1-6533393-G-C.
Other names: p.Thr238Ser; c.713C>G (NM_020631.5); c.824C>G, p.Thr275Ser (NM_001042663.3, NM_001265592.2); c.713C>G, p.Thr238Ser (NM_001042664.2, NM_001042665.2, NM_001265594.3 and 1 more transcripts); c.920C>G, p.Thr307Ser (NM_001265593.2); short protein forms T238S, T307S, T275S.
Identifiers: ClinVar variation 198895 (VCV000198895.24), dbSNP rs61741379, ClinGen allele CA203663.